The following is an entry in ClinVar:

ClinVar aggregate classification (germline): Uncertain significance (1 of 4 stars; one submission).

Conditions:
Alpha thalassemia-X-linked intellectual disability syndrome (ATRX). Also called: ALPHA-THALASSEMIA/MENTAL RETARDATION SYNDROME, X-LINKED; ATR, NONDELETION TYPE; ATR-X syndrome; Alpha thalassemia mental retardation syndrome, nondeletion type, X-linked; XLMR hypotonic face syndrome; X-linked alpha-thalassemia-mental retardation syndrome. Identifiers: Orphanet 847, MedGen C1845055, MONDO:0010519, OMIM 301040.

Submission:

Labcorp Genetics (formerly Invitae), Labcorp
Classification: Uncertain significance for Alpha thalassemia-X-linked intellectual disability syndrome. Last evaluated: 2024-06-03. Review status: criteria provided, single submitter. Criteria: Invitae Variant Classification Sherloc (09022015). Collection method: clinical testing. Allele origin: germline.
Comment: This sequence change replaces aspartic acid, which is acidic and polar, with asparagine, which is neutral and polar, at codon 753 of the ATRX protein (p.Asp753Asn). This variant is not present in population databases (gnomAD no frequency). This variant has not been reported in the literature in individuals affected with ATRX-related conditions. ClinVar contains an entry for this variant (Variation ID: 2015115). Advanced modeling of protein sequence and biophysical properties (such as structural, functional, and spatial information, amino acid conservation, physicochemical variation, residue mobility, and thermodynamic stability) performed at Invitae indicates that this missense variant is not expected to disrupt ATRX protein function with a negative predictive value of 95%. In summary, the available evidence is currently insufficient to determine the role of this variant in disease. Therefore, it has been classified as a Variant of Uncertain Significance.

NM_000489.6(ATRX):c.2257G>A (p.Asp753Asn)

Gene: ATRX (ATRX chromatin remodeler; minus strand). Cytogenetic location: Xq21.1.
Variant type: single nucleotide variant.
Coding change: c.2257G>A on transcript NM_000489.6 (MANE Select); coding-DNA position 2257, G replaced by A.
Protein change: p.Asp753Asn; replaces aspartic acid 753 with asparagine.
Molecular consequence: missense variant.
Genome position (GRCh38, 1-based): chrX:77,682,999, C>T on the plus strand (G>A on the coding strand, the complement: ATRX is on the minus strand). VCF-style: chrX-77682999-C-T. GRCh37 (hg19) VCF-style: chrX-76938491-C-T.
Other names: c.2143G>A, p.Asp715Asn (NM_138270.5); short protein forms D753N, D715N.
Identifiers: ClinVar variation 2015115 (VCV002015115.4), dbSNP rs2071331547, ClinGen allele CA413712831.